The following is an entry in ClinVar:

ClinVar aggregate classification (germline): Uncertain significance (1 of 4 stars; one submission).

Conditions:
Warts, hypogammaglobulinemia, infections, and myelokathexis. Also called: WHIM syndrome. Identifiers: MedGen C0472817, MONDO:0023880.

Allele frequency attached by ClinVar (database versions not stated): gnomAD exomes below 0.00001 and 0.00001; TOPMed below 0.00001.
gnomAD v4.1: 16 of 1,614,146 alleles (0.00099%); highest among the groups gnomAD compares: African/African-American, 0.0013%; no homozygotes.

Submission:

Labcorp Genetics (formerly Invitae), Labcorp
Classification: Uncertain significance for Warts, hypogammaglobulinemia, infections, and myelokathexis. Last evaluated: 2020-01-22. Review status: criteria provided, single submitter. Criteria: Invitae Variant Classification Sherloc (09022015). Collection method: clinical testing. Allele origin: germline.
Comment: Algorithms developed to predict the effect of missense changes on protein structure and function are either unavailable or do not agree on the potential impact of this missense change (SIFT: "Tolerated"; PolyPhen-2: "Possibly Damaging"; Align-GVGD: "Class C0"). In summary, the available evidence is currently insufficient to determine the role of this variant in disease. Therefore, it has been classified as a Variant of Uncertain Significance. This variant has not been reported in the literature in individuals with CXCR4-related conditions. This variant is not present in population databases (ExAC no frequency). This sequence change replaces serine with tyrosine at codon 217 of the CXCR4 protein (p.Ser217Tyr). The serine residue is moderately conserved and there is a large physicochemical difference between serine and tyrosine.

NM_003467.3(CXCR4):c.650C>A (p.Ser217Tyr)

Gene: CXCR4 (C-X-C motif chemokine receptor 4; minus strand). Cytogenetic location: 2q22.1.
Variant type: single nucleotide variant.
Coding change: c.650C>A on transcript NM_003467.3 (MANE Select); coding-DNA position 650, C replaced by A.
Protein change: p.Ser217Tyr; replaces serine 217 with tyrosine.
Molecular consequence: missense variant.
Genome position (GRCh38, 1-based): chr2:136,115,278, G>T on the plus strand (C>A on the coding strand, the complement: CXCR4 is on the minus strand). VCF-style: chr2-136115278-G-T. GRCh37 (hg19) VCF-style: chr2-136872848-G-T.
Other names: c.662C>A, p.Ser221Tyr (NM_001008540.2); c.863C>A, p.Ser288Tyr (NM_001348056.2); c.749C>A, p.Ser250Tyr (NM_001348059.2); c.605C>A, p.Ser202Tyr (NM_001348060.2); short protein forms S221Y, S250Y, S288Y, S202Y, S217Y.
Identifiers: ClinVar variation 1011023 (VCV001011023.11), dbSNP rs1406988415, ClinGen allele CA348658280.
Genomic context (GRCh38, chr2:136,115,278, plus strand): 5'-GCCTTGCGCTTCTGGTGGCCCTTGGAGTGTGACAGCTTGGAGATGATAATGCAATAGCAG[G>T]ACAGGATGACAATACCAGGCAGGATAAGGCCAACCATGATGTGCTGAAACTGGAACACAA-3'
Protein context (NP_003458.1, residues 207-227): GLILPGIVIL[Ser217Tyr]CYCIIISKLS